The following is an entry in ClinVar:

ClinVar aggregate classification (germline): Uncertain significance (1 of 4 stars; one submission).

Submission:

GeneDx
Classification: Uncertain significance. Last evaluated: 2022-11-23. Review status: criteria provided, single submitter. Criteria: GeneDx Variant Classification Process June 2021. Collection method: clinical testing. Allele origin: germline. Affected: yes.
Comment: Not observed at significant frequency in large population cohorts (gnomAD); In silico analysis supports that this missense variant does not alter protein structure/function; Has not been previously published as pathogenic or benign to our knowledge

NM_000489.6(ATRX):c.1276G>A (p.Glu426Lys)

Gene: ATRX (ATRX chromatin remodeler; minus strand). Cytogenetic location: Xq21.1.
Variant type: single nucleotide variant.
Coding change: c.1276G>A on transcript NM_000489.6 (MANE Select); coding-DNA position 1276, G replaced by A.
Protein change: p.Glu426Lys; replaces glutamic acid 426 with lysine.
Molecular consequence: missense variant.
Genome position (GRCh38, 1-based): chrX:77,683,980, C>T on the plus strand (G>A on the coding strand, the complement: ATRX is on the minus strand). VCF-style: chrX-77683980-C-T. GRCh37 (hg19) VCF-style: chrX-76939472-C-T.
Other names: c.1162G>A, p.Glu388Lys (NM_138270.5); short protein forms E388K, E426K.
Identifiers: ClinVar variation 2503165 (VCV002503165.1), dbSNP rs2148626588, ClinGen allele CA413718795.